The following is an entry in ClinVar:

NM_016030.6(TRAPPC12):c.1842T>C (p.Asp614=)

Gene: TRAPPC12 (trafficking protein particle complex subunit 12; plus strand). Cytogenetic location: 2p25.3.
Variant type: single nucleotide variant.
Coding change: c.1842T>C on transcript NM_016030.6 (MANE Select); coding-DNA position 1842, T replaced by C.
Protein change: p.Asp614=; no amino-acid change (aspartic acid 614 retained).
Molecular consequence: synonymous variant.
Genome position (GRCh38, 1-based): chr2:3,477,760, T>C. VCF-style: chr2-3477760-T-C. GRCh37 (hg19) VCF-style: chr2-3481531-T-C.
Other names: c.1842T>C, p.Asp614= (NM_001321102.2).
Identifiers: ClinVar variation 1181867 (VCV001181867.14), dbSNP rs11548215, ClinGen allele CA1515675.

ClinVar aggregate classification (germline): Benign/Likely benign. Review status: criteria provided, multiple submitters, no conflicts (2 of 4 stars). 5 submissions from 5 submitters: Benign (3); Likely benign (1). 1 of the submissions does not count toward it. Last evaluated 2026-02-02.

Conditions:
TRAPPC12-related disorder. Also called: TRAPPC12-related condition.

Allele frequency attached by ClinVar (database versions not stated): gnomAD exomes 0.08561 and 0.09527; ExAC 0.09096; 1000 Genomes Project 0.09505; 1000 Genomes Project 30x 0.09916; gnomAD 0.10899 and 0.11196; TOPMed 0.11227; ESP Exome Variant Server 0.12102.
gnomAD v4.1: 154,605 of 1,604,002 alleles (9.6%); highest among the groups gnomAD compares: African/African-American, 17%; 8,152 homozygotes.

Submissions (5):

Labcorp Genetics (formerly Invitae), Labcorp
Classification: Benign. Last evaluated: 2026-02-02. Review status: criteria provided, single submitter. Criteria: Invitae Variant Classification Sherloc (09022015). Collection method: clinical testing. Allele origin: germline.

Blueprint Genetics
Classification: Likely benign. Last evaluated: 2024-11-26. Review status: criteria provided, single submitter. Criteria: ACMG Guidelines, 2015. Collection method: clinical testing. Allele origin: germline.

GeneDx
Classification: Benign. Last evaluated: 2018-09-04. Review status: criteria provided, single submitter. Criteria: GeneDx Variant Classification Process June 2021. Collection method: clinical testing. Allele origin: germline. Affected: yes.

Breakthrough Genomics
Classification: Benign. Review status: criteria provided, single submitter. Criteria: ACMG Guidelines, 2015. Collection method: not provided. Allele origin: germline. Inheritance: Autosomal recessive inheritance. Affected: yes.

PreventionGenetics, part of Exact Sciences
Classification: Benign for TRAPPC12-related condition. Last evaluated: 2019-10-30. Review status: no assertion criteria provided. Collection method: clinical testing. Allele origin: germline. Not counted in ClinVar's aggregate classification.
Comment: This variant is classified as benign based on ACMG/AMP sequence variant interpretation guidelines (Richards et al. 2015 PMID: 25741868, with internal and published modifications).